The following is an entry in ClinVar:

NM_030957.4(ADAMTS10):c.1085-4C>T

Gene: ADAMTS10 (ADAM metallopeptidase with thrombospondin type 1 motif 10; minus strand). Cytogenetic location: 19p13.2.
Variant type: single nucleotide variant.
Coding change: c.1085-4C>T on transcript NM_030957.4 (MANE Select); 4 bases into the intron before coding-DNA position 1085, C replaced by T.
Molecular consequence: intron variant.
Genome position (GRCh38, 1-based): chr19:8,596,416, G>A on the plus strand (C>T on the coding strand, the complement: ADAMTS10 is on the minus strand). VCF-style: chr19-8596416-G-A. GRCh37 (hg19) VCF-style: chr19-8661300-G-A.
Other names: c.1085-4C>T (NM_030957.3).
Identifiers: ClinVar variation 1939529 (VCV001939529.6), dbSNP rs367824896, ClinGen allele CA9160621.

ClinVar aggregate classification (germline): Likely benign. Review status: criteria provided, multiple submitters, no conflicts (2 of 4 stars). 2 submissions from 2 submitters: Likely benign (2). Last evaluated 2026-08-11.

Conditions:
ADAMTS10-related disorder. Also called: ADAMTS10-related condition.

Allele frequency attached by ClinVar (database versions not stated): gnomAD exomes below 0.00001; ExAC 0.00003; TOPMed 0.00007; gnomAD 0.00008; ESP Exome Variant Server 0.00015.
gnomAD v4.1: 14 of 1,613,558 alleles (0.00087%); highest among the groups gnomAD compares: African/African-American, 0.017%; no homozygotes.

Submissions (2):

PreventionGenetics, part of Exact Sciences
Classification: Likely benign for ADAMTS10-related condition. Last evaluated: 2026-08-11. Review status: criteria provided, single submitter. Criteria: ACMG Guidelines, 2015. Collection method: clinical testing. Allele origin: germline.
Comment: This variant is classified as likely benign based on ACMG/AMP sequence variant interpretation guidelines (Richards et al. 2015 PMID: 25741868, with internal and published modifications).

Labcorp Genetics (formerly Invitae), Labcorp
Classification: Likely benign. Last evaluated: 2025-11-12. Review status: criteria provided, single submitter. Criteria: Invitae Variant Classification Sherloc (09022015). Collection method: clinical testing. Allele origin: germline.